The following is an entry in ClinVar:

NM_014363.6(SACS):c.1415_1421del (p.Asp472fs)

Gene: SACS (sacsin molecular chaperone; minus strand). Cytogenetic location: 13q12.12.
Variant type: Deletion.
Coding change: c.1415_1421del on transcript NM_014363.6 (MANE Select); coding-DNA positions 1415 to 1421, 7 bases deleted (ATAACCG; older notation c.1415_1421delATAACCG).
Protein change: p.Asp472fs; shifts the reading frame from aspartic acid 472.
Molecular consequence: frameshift variant.
Genome position (GRCh38, 1-based): chr13:23,355,191-23,355,197, CGGTTAT deleted on the plus strand (ATAACCG on the coding strand, the reverse complement: SACS is on the minus strand); deleting any 7 consecutive bases within chr13:23,355,191-23,355,198 gives the same sequence; the c. name uses the placement nearest the transcript's 3' end. VCF-style (leftmost placement, unchanged base first): chr13-23355190-GCGGTTAT-G. GRCh37 (hg19) VCF-style: chr13-23929329-GCGGTTAT-G.
Other names: c.974_980del, p.Asp325fs (NM_001278055.2); short protein forms D325fs, D472fs.
Identifiers: ClinVar variation 3240416 (VCV003240416.2), dbSNP rs1847695216.

ClinVar aggregate classification (germline): Pathogenic/Likely pathogenic. Review status: criteria provided, multiple submitters, no conflicts (2 of 4 stars). 2 submissions from 2 submitters: Pathogenic (1); Likely pathogenic (1). Last evaluated 2024-07-04.

Conditions:
Charlevoix-Saguenay spastic ataxia (SACS). Also called: SPASTIC ATAXIA 6, AUTOSOMAL RECESSIVE; AUTOSOMAL RECESSIVE SPASTIC ATAXIA OF CHARLEVOIX-SAGUENAY; Spastic ataxia of Charlevoix-Saguenay. Identifiers: Orphanet 98, MedGen C1849140, MONDO:0010041, OMIM 270550.

Submissions (2):

Myriad Genetics, Inc.
Classification: Pathogenic for Charlevoix-Saguenay spastic ataxia. Last evaluated: 2024-07-04. Review status: criteria provided, single submitter. Criteria: Myriad Autosomal Dominant, Autosomal Recessive and X-Linked Classification Criteria (2023). Collection method: clinical testing. Allele origin: unknown.
Comment: NM_014363.4(SACS):c.1415_1421del7(D472Afs*4) is expected to be pathogenic in the context of autosomal recessive spastic ataxia of Charlevoix-Saguenay. This variant is predicted to lead to an abnormal or absent protein product due to the creation of a premature termination codon in SACS, a gene where loss-of-function variants are known to be pathogenic. Please note: this variant was assessed in the context of healthy population screening.

Baylor Genetics
Classification: Likely pathogenic for Charlevoix-Saguenay spastic ataxia. Last evaluated: 2023-12-24. Review status: criteria provided, single submitter. Criteria: ACMG Guidelines, 2015. Collection method: clinical testing. Allele origin: unknown.